The following is an entry in ClinVar:

NM_004341.5(CAD):c.2533G>A (p.Ala845Thr)

Genes: CAD (carbamoyl-phosphate synthetase 2, aspartate transcarbamylase, and dihydroorotase; plus strand), LOC126806171 (BRD4-independent group 4 enhancer GRCh37_chr2:27454350-27455549; plus strand). Cytogenetic location: 2p23.3.
Variant type: single nucleotide variant.
Coding change: c.2533G>A on transcript NM_004341.5 (MANE Select); coding-DNA position 2533, G replaced by A.
Protein change: p.Ala845Thr; replaces alanine 845 with threonine.
Molecular consequence: missense variant.
Genome position (GRCh38, 1-based): chr2:27,232,112, G>A. VCF-style: chr2-27232112-G-A. GRCh37 (hg19) VCF-style: chr2-27454980-G-A.
Other names: c.2344G>A, p.Ala782Thr (NM_001306079.2); short protein forms A782T, A845T.
Identifiers: ClinVar variation 2417932 (VCV002417932.5), dbSNP rs368446772, ClinGen allele CA1573042.

ClinVar aggregate classification (germline): Uncertain significance (1 of 4 stars; one submission).

Allele frequency attached by ClinVar (database versions not stated): TOPMed 0.00004; gnomAD 0.00007; ESP Exome Variant Server 0.00008.
gnomAD v4.1: 27 of 1,614,088 alleles (0.0017%); highest among the groups gnomAD compares: Admixed American, 0.03%; no homozygotes.

Submission:

Labcorp Genetics (formerly Invitae), Labcorp
Classification: Uncertain significance. Last evaluated: 2025-04-23. Review status: criteria provided, single submitter. Criteria: Invitae Variant Classification Sherloc (09022015). Collection method: clinical testing. Allele origin: germline.
Comment: This sequence change replaces alanine, which is neutral and non-polar, with threonine, which is neutral and polar, at codon 845 of the CAD protein (p.Ala845Thr). This variant is present in population databases (rs368446772, gnomAD 0.02%). This variant has not been reported in the literature in individuals affected with CAD-related conditions. ClinVar contains an entry for this variant (Variation ID: 2417932). Invitae Evidence Modeling of protein sequence and biophysical properties (such as structural, functional, and spatial information, amino acid conservation, physicochemical variation, residue mobility, and thermodynamic stability) indicates that this missense variant is not expected to disrupt CAD protein function with a negative predictive value of 80%. In summary, the available evidence is currently insufficient to determine the role of this variant in disease. Therefore, it has been classified as a Variant of Uncertain Significance.